The following is an entry in ClinVar:

ClinVar aggregate classification (germline): Pathogenic (1 of 4 stars; one submission).

Conditions:
Neurofibromatosis, type 1 (NF1). Also called: VON RECKLINGHAUSEN DISEASE; Peripheral type neurofibromatosis; NEUROFIBROMATOSIS, TYPE I, SOMATIC; Neurofibromatosis, type I. Identifiers: Orphanet 636, MedGen C0027831, MONDO:0018975, OMIM 162200. Disease mechanism: loss of function.

Submission:

Labcorp Genetics (formerly Invitae), Labcorp
Classification: Pathogenic for Neurofibromatosis, type 1. Last evaluated: 2020-06-28. Review status: criteria provided, single submitter. Criteria: Invitae Variant Classification Sherloc (09022015). Collection method: clinical testing. Allele origin: germline.
Comment: This sequence change creates a premature translational stop signal (p.Leu2283Phefs*15) in the NF1 gene. It is expected to result in an absent or disrupted protein product. This variant is not present in population databases (ExAC no frequency). This variant has not been reported in the literature in individuals with NF1-related conditions. Loss-of-function variants in NF1 are known to be pathogenic (PMID: 10712197, 23913538). For these reasons, this variant has been classified as Pathogenic.

Literature cited by the submitters: PubMed 10712197; PubMed 23913538.

NM_001042492.3(NF1):c.6909del (p.Leu2304fs)

Gene: NF1 (neurofibromin 1; plus strand). Cytogenetic location: 17q11.2.
Variant type: Deletion.
Coding change: c.6909del on transcript NM_001042492.3 (MANE Select); coding-DNA position 6909, one base deleted (A; older notation c.6909delA).
Protein change: p.Leu2304fs; shifts the reading frame from leucine 2304.
Molecular consequence: frameshift variant.
Genome position (GRCh38, 1-based): chr17:31,338,793, A deleted. VCF-style (leftmost placement, unchanged base first): chr17-31338792-CA-C. GRCh37 (hg19) VCF-style: chr17-29665810-CA-C.
Other names: c.6846delA, p.Leu2283Phefs (NM_000267.4); short protein forms L2283fs, L2304fs.
Identifiers: ClinVar variation 1072662 (VCV001072662.5), dbSNP rs2151559384, ClinGen allele CA2499224202.